The following is an entry in ClinVar:

NM_021072.4(HCN1):c.1295A>T (p.His432Leu)

Gene: HCN1 (hyperpolarization activated cyclic nucleotide gated potassium channel 1; minus strand). Cytogenetic location: 5p12.
Variant type: single nucleotide variant.
Coding change: c.1295A>T on transcript NM_021072.4 (MANE Select); coding-DNA position 1295, A replaced by T.
Protein change: p.His432Leu; replaces histidine 432 with leucine.
Molecular consequence: missense variant.
Genome position (GRCh38, 1-based): chr5:45,353,182, T>A on the plus strand (A>T on the coding strand, the complement: HCN1 is on the minus strand). VCF-style: chr5-45353182-T-A. GRCh37 (hg19) VCF-style: chr5-45353284-T-A.
Other names: short protein forms H432L.
Identifiers: ClinVar variation 1302736 (VCV001302736.3), dbSNP rs747175226, ClinGen allele CA359702145.

ClinVar aggregate classification (germline): Uncertain significance (1 of 4 stars; one submission).

Submission:

GeneDx
Classification: Uncertain significance. Last evaluated: 2026-09-28. Review status: criteria provided, single submitter. Criteria: GeneDx Variant Classification Process June 2021. Collection method: clinical testing. Allele origin: germline.
Comment: Not observed at significant frequency in large population cohorts (gnomAD); In silico analysis supports that this missense variant has a deleterious effect on protein structure/function; Has not been previously published as pathogenic or benign to our knowledge